The following is an entry in ClinVar:

NM_000041.4(APOE):c.70G>C (p.Val24Leu)

Gene: APOE (apolipoprotein E; plus strand). Cytogenetic location: 19q13.32.
Variant type: single nucleotide variant.
Coding change: c.70G>C on transcript NM_000041.4 (MANE Select); coding-DNA position 70, G replaced by C.
Protein change: p.Val24Leu; replaces valine 24 with leucine.
Molecular consequence: missense variant.
Genome position (GRCh38, 1-based): chr19:44,907,786, G>C. VCF-style: chr19-44907786-G-C. GRCh37 (hg19) VCF-style: chr19-45411043-G-C.
Other names: c.148G>C, p.Val50Leu (NM_001302688.2); c.70G>C, p.Val24Leu (NM_001302689.2, NM_001302690.2, NM_001302691.2); short protein forms V24L, V50L.
Identifiers: ClinVar variation 3764407 (VCV003764407.1).

ClinVar aggregate classification (germline): Uncertain significance (1 of 4 stars; one submission).

gnomAD v4.1: 1 of 1,613,060 alleles (0.000062%); highest among the groups gnomAD compares: East Asian, 0.0022%; no homozygotes.

Submission:

GeneDx
Classification: Uncertain significance. Last evaluated: 2024-08-18. Review status: criteria provided, single submitter. Criteria: GeneDx Variant Classification Process June 2021. Collection method: clinical testing. Allele origin: germline. Affected: yes.
Comment: Not observed at significant frequency in large population cohorts (gnomAD); In silico analysis indicates that this missense variant does not alter protein structure/function; Has not been previously published as pathogenic or benign to our knowledge